The following is an entry in ClinVar:

NM_006312.6(NCOR2):c.3912G>A (p.Thr1304=)

Genes: NCOR2 (nuclear receptor corepressor 2; minus strand), LOC124849275 (Sharpr-MPRA regulatory region 3491; plus strand). Cytogenetic location: 12q24.31.
Variant type: single nucleotide variant.
Coding change: c.3912G>A on transcript NM_006312.6 (MANE Select); coding-DNA position 3912, G replaced by A.
Protein change: p.Thr1304=; no amino-acid change (threonine 1304 retained).
Molecular consequence: synonymous variant.
Genome position (GRCh38, 1-based): chr12:124,348,247, C>T on the plus strand (G>A on the coding strand, the complement: NCOR2 is on the minus strand). VCF-style: chr12-124348247-C-T. GRCh37 (hg19) VCF-style: chr12-124832793-C-T.
Other names: c.3882G>A, p.Thr1294= (NM_001077261.4, NM_001206654.2).
Identifiers: ClinVar variation 3058550 (VCV003058550.2), dbSNP rs544513641, ClinGen allele CA6868450.

ClinVar aggregate classification (germline): Likely benign (0 of 4 stars; one submission).

Conditions:
NCOR2-related disorder. Also called: NCOR2-related condition.

Allele frequency attached by ClinVar (database versions not stated): ExAC 0.00003; gnomAD 0.00003; TOPMed 0.00003.
gnomAD v4.1: 63 of 1,613,130 alleles (0.0039%); highest among the groups gnomAD compares: South Asian, 0.0066%; no homozygotes.

Submission:

PreventionGenetics, part of Exact Sciences
Classification: Likely benign for NCOR2-related condition. Last evaluated: 2019-04-05. Review status: no assertion criteria provided. Collection method: clinical testing. Allele origin: germline.
Comment: This variant is classified as likely benign based on ACMG/AMP sequence variant interpretation guidelines (Richards et al. 2015 PMID: 25741868, with internal and published modifications).